The following is an entry in ClinVar:

NM_001197104.2(KMT2A):c.11643+6T>G

Genes: KMT2A (lysine methyltransferase 2A; plus strand), TTC36-AS1 (TTC36 and KMT2A antisense RNA 1; minus strand). Cytogenetic location: 11q23.3.
Variant type: single nucleotide variant.
Coding change: c.11643+6T>G on transcript NM_001197104.2 (MANE Select); 6 bases into the intron after coding-DNA position 11643, T replaced by G.
Molecular consequence: intron variant.
Genome position (GRCh38, 1-based): chr11:118,521,423, T>G. VCF-style: chr11-118521423-T-G. GRCh37 (hg19) VCF-style: chr11-118392138-T-G.
Other names: c.11733+6T>G (NM_001412597.1); c.11634+6T>G (NM_005933.4).
Identifiers: ClinVar variation 4735151 (VCV004735151.1).
Genomic context (GRCh38, chr11:118,521,423, plus strand): 5'-CAACGTCATCCGCTCCATCCAGACTGACAAGCGGGAAAAGTATTACGACAGCAAGGTAAG[T>G]CTCCCACTTGCACTCACACAGTTCTTTTGTTTTGCTGTAGAAAGGGACCAGTATGACCCC-3'

ClinVar aggregate classification (germline): Uncertain significance (1 of 4 stars; one submission).

Submission:

Labcorp Genetics (formerly Invitae), Labcorp
Classification: Uncertain significance. Last evaluated: 2026-01-12. Review status: criteria provided, single submitter. Criteria: Invitae Variant Classification Sherloc (09022015). Collection method: clinical testing. Allele origin: germline.
Comment: This sequence change falls in intron 35 of the KMT2A gene. It does not directly change the encoded amino acid sequence of the KMT2A protein. It affects a nucleotide within the consensus splice site. This variant is not present in population databases (gnomAD no frequency). This variant has not been reported in the literature in individuals affected with KMT2A-related conditions. Variants that disrupt the consensus splice site are a relatively common cause of aberrant splicing (PMID: 17576681, 9536098). Algorithms developed to predict the effect of sequence changes on RNA splicing suggest that this variant is not likely to affect RNA splicing. In summary, the available evidence is currently insufficient to determine the role of this variant in disease. Therefore, it has been classified as a Variant of Uncertain Significance.

Literature cited by the submitters: PubMed 17576681; PubMed 9536098.